The following is an entry in ClinVar:

NM_000059.4(BRCA2):c.5029A>T (p.Arg1677Ter)

Gene: BRCA2 (BRCA2 DNA repair associated; plus strand). Cytogenetic location: 13q13.1.
Variant type: single nucleotide variant.
Coding change: c.5029A>T on transcript NM_000059.4 (MANE Select); coding-DNA position 5029, A replaced by T.
Protein change: p.Arg1677Ter; replaces arginine 1677 with a stop codon.
Molecular consequence: nonsense. On other transcripts: non-coding transcript variant (1), intron variant (2).
Genome position (GRCh38, 1-based): chr13:32,339,384, A>T. VCF-style: chr13-32339384-A-T. GRCh37 (hg19) VCF-style: chr13-32913521-A-T.
Other names: c.5029A>T, p.Arg1677Ter (NM_001406719.1, NM_001406720.1, NM_001432077.1); c.1910-5174A>T (NM_001406721.1); c.425-5174A>T (NM_001406722.1); short protein forms R1677*.
Identifiers: ClinVar variation 4077042 (VCV004077042.1).

ClinVar aggregate classification (germline): Likely pathogenic (1 of 4 stars; one submission).

Conditions:
Hereditary breast ovarian cancer syndrome. Also called: BRCA1- and BRCA2-Associated Hereditary Breast and Ovarian Cancer; Hereditary breast and ovarian cancer; Hereditary breast and ovarian cancer syndrome (HBOC); Hereditary breast and/or ovarian cancer syndrome; Hereditary breast and ovarian cancer syndrome; Breast and ovarian cancer. Identifiers: Orphanet 145, MedGen C0677776, MeSH D061325, MONDO:0003582. Disease mechanism: loss of function.

Submission:

GeneKor MSA
Classification: Likely pathogenic for Hereditary breast ovarian cancer syndrome. Last evaluated: 2025-05-15. Review status: criteria provided, single submitter. Criteria: ACMG Guidelines, 2015. Collection method: clinical testing. Allele origin: germline.
Comment: This variant, located in coding exon 11 of the BRCA2 gene, is a single base substitution at nucleotide position 5029, c.(5029A>T), replacing Arginine with a termination stop signal at codon 1677, p.(Arg1677*). This is expected to result in an absent or disrupted protein product. Truncating variants in BRCA2 are known to be pathogenic (PMID:20104584). This variant is not present in population databases. ClinVar contains no entries for this variant. Based on the classification criteria set by the ACMG and AMP (PMID:25741868) this variant has been classified as likely pathogenic.

Literature cited by the submitters: PubMed 20104584.